The following is an entry in ClinVar:

ClinVar aggregate classification (germline): Uncertain significance. Review status: reviewed by expert panel (3 of 4 stars). 3 submissions from 2 submitters: Uncertain significance (1). 2 of the submissions do not count toward it. Last evaluated 2024-08-27.

Conditions:
Nemaline myopathy 2 (NEM2). Also called: Nemaline myopathy 2, autosomal recessive. Identifiers: MedGen C1850569, MONDO:0009725, OMIM 256030.
Nemaline myopathy. Also called: Myopathies, Nemaline. Identifiers: Orphanet 607, MedGen C0206157, MONDO:0018958.
Arthrogryposis multiplex congenita 6. Identifiers: MedGen C5543431, MONDO:0030281, OMIM 619334.

Submissions (3):

ClinGen Congenital Myopathies Variant Curation Expert Panel, ClinGen
Classification: Uncertain significance for Nemaline myopathy. Last evaluated: 2024-08-27. Review status: reviewed by expert panel. Criteria: ClinGen CongenMyopathy ACMG Specifications NEB V1.0.0. Collection method: curation. Allele origin: germline. Inheritance: Autosomal recessive inheritance.
Comment: The NM_001164508 c.1015del (p.Ala339fs) variant in NEB is a nonsense variant predicted to truncate the protein at amino acid 339 in exon 12 of 183 in NEB. Exon 12 is present in the biologically relevant transcript NM_001164508.2 and loss of function is a known mechanism of disease in NEB (PVS1). This variant is absent from gnomAD v4.1.0 (PM2_Supporting). In summary, this variant meets the criteria to be classified as likely pathogenic for Nemaline myopathy for autosomal recessive inheritance based on the ACMG/AMP criteria applied as specified by the ClinGen Congenital Myopathy VCEP: (PVS1, PM2_Supporting; ClinGen Congenital Myopathies VCEP Specifications version 1.0.0; 8/27/2024).

Genomic Medicine Center of Excellence, King Faisal Specialist Hospital and Research Centre
Classification: Pathogenic for Arthrogryposis multiplex congenita 6. Last evaluated: 2021-01-04. Review status: criteria provided, single submitter. Criteria: ACMG Guidelines, 2015. Collection method: clinical testing. Allele origin: germline. Affected: yes. Not counted in ClinVar's aggregate classification.

Genomic Medicine Center of Excellence, King Faisal Specialist Hospital and Research Centre
Classification: Uncertain significance for Nemaline myopathy 2. Last evaluated: 2024-03-26. Review status: flagged submission. Criteria: ACMG Guidelines, 2015. Collection method: clinical testing. Allele origin: germline. Not counted in ClinVar's aggregate classification.
ClinVar note: Reason: Unnecessary conflicting claim for distinct condition when other classifications are more relevant

NM_001164508.2(NEB):c.1015del (p.Ala339fs)

Gene: NEB (nebulin; minus strand). Cytogenetic location: 2q23.3.
Variant type: Deletion.
Coding change: c.1015del on transcript NM_001164508.2 (MANE Select); coding-DNA position 1015, one base deleted (G; older notation c.1015delG).
Protein change: p.Ala339fs; shifts the reading frame from alanine 339.
Molecular consequence: frameshift variant.
Genome position (GRCh38, 1-based): chr2:151,709,676, C deleted on the plus strand (G on the coding strand, the reverse complement: NEB is on the minus strand). VCF-style (leftmost placement, unchanged base first): chr2-151709675-GC-G. GRCh37 (hg19) VCF-style: chr2-152566189-GC-G.
Other names: NM_001164508.2(NEB):c.1015del; p.Ala339fs; c.1015del, p.Ala339fs (NM_001164507.2, NM_001271208.2, NM_004543.5); short protein forms A339fs.
Identifiers: ClinVar variation 1177402 (VCV001177402.5), dbSNP rs2150017687, ClinGen allele CA2499215129.